The following is an entry in ClinVar:

NM_000255.4(MMUT):c.385+34_385+35insC

Gene: MMUT (methylmalonyl-CoA mutase; minus strand). Cytogenetic location: 6p12.3.
Variant type: Insertion.
Coding change: c.385+34_385+35insC on transcript NM_000255.4 (MANE Select); bases 34 to 35 of the intron after coding-DNA position 385, C inserted.
Molecular consequence: intron variant.
Genome position: GRCh38 VCF-style: chr6-49459047-T-TG. GRCh37 (hg19) VCF-style: chr6-49426760-T-TG.
Other names: KC594084.1.
Identifiers: ClinVar variation 100714 (VCV000100714.1), dbSNP rs483352798, ClinGen allele CA235529.
Genomic context (GRCh38, chr6:49,459,047, plus strand): 5'-TGAATATCATCTTTACAGAGATTAACCCCCAAAAAATAAAAAACTAGGAGGCATATGACT[T>TG]ATCATAAATATTATGTCTTACATTAAAATCTCACCCTTAATGTTGTCCTTATAGAACTTA-3'

ClinVar aggregate classification (germline): not provided (0 of 4 stars; one submission).

Submission:

Medical Genetics Unit, Ain Shams University Pediatrics Hospital
No classification provided. Review status: no classification provided. Collection method: not provided. Allele origin: not provided.
Comment: Methylmalonic aciduria